The following is an entry in ClinVar:

ClinVar aggregate classification (germline): Likely pathogenic (1 of 4 stars; one submission).

Submission:

Dasa
Classification: Likely pathogenic. Last evaluated: 2025-01-17. Review status: criteria provided, single submitter. Criteria: DASA Assertion Criteria. Collection method: clinical testing. Allele origin: germline.
Comment: NM_000088.4(COL1A1):c.1012G>T (p.Gly338Cys) is a missense variant that results in the substitution of glycine with cysteine. The affected residue or protein region has prior evidence supporting clinical relevance. This variant is rare in population databases. Computational evidence supports a deleterious effect. Based on the currently available evidence, this variant is classified as likely pathogenic.

NM_000088.4(COL1A1):c.1012G>T (p.Gly338Cys)

Gene: COL1A1 (collagen type I alpha 1 chain; minus strand). Cytogenetic location: 17q21.33.
Variant type: single nucleotide variant.
Coding change: c.1012G>T on transcript NM_000088.4 (MANE Select); coding-DNA position 1012, G replaced by T.
Protein change: p.Gly338Cys; replaces glycine 338 with cysteine.
Molecular consequence: missense variant.
Genome position (GRCh38, 1-based): chr17:50,195,967, C>A on the plus strand (G>T on the coding strand, the complement: COL1A1 is on the minus strand). VCF-style: chr17-50195967-C-A. GRCh37 (hg19) VCF-style: chr17-48273328-C-A.
Other names: short protein forms G338C.
Identifiers: ClinVar variation 4852622 (VCV004852622.2).